The following is an entry in ClinVar:

ClinVar aggregate classification (germline): Uncertain significance (1 of 4 stars; one submission).

Conditions:
Leber congenital amaurosis 8 (LCA8). Identifiers: Orphanet 65, MedGen C3151202, MONDO:0013453, OMIM 613835.
Retinitis pigmentosa 12 (RP12). Also called: RP WITH OR WITHOUT PPRPE; RP WITH OR WITHOUT PRESERVED PARAARTERIOLE RETINAL PIGMENT EPITHELIUM; RETINITIS PIGMENTOSA WITH OR WITHOUT PARAARTERIOLAR PRESERVATION OF RETINAL PIGMENT EPITHELIUM. Identifiers: Orphanet 791, MedGen C1838647, MONDO:0010818, OMIM 600105.

Submission:

Labcorp Genetics (formerly Invitae), Labcorp
Classification: Uncertain significance for Leber congenital amaurosis 8; Retinitis pigmentosa 12. Last evaluated: 2022-03-09. Review status: criteria provided, single submitter. Criteria: Invitae Variant Classification Sherloc (09022015). Collection method: clinical testing. Allele origin: germline.
Comment: In summary, the available evidence is currently insufficient to determine the role of this variant in disease. Therefore, it has been classified as a Variant of Uncertain Significance. Algorithms developed to predict the effect of sequence changes on RNA splicing suggest that this variant may disrupt the consensus splice site. This variant has been observed in individual(s) with CRB1-related conditions (Invitae). In at least one individual the data is consistent with being in trans (on the opposite chromosome) from a pathogenic variant. This variant is not present in population databases (gnomAD no frequency). This sequence change falls in intron 11 of the CRB1 gene. It does not directly change the encoded amino acid sequence of the CRB1 protein.

NM_201253.3(CRB1):c.4006-18T>G

Gene: CRB1 (crumbs cell polarity complex component 1; plus strand). Cytogenetic location: 1q31.3.
Variant type: single nucleotide variant.
Coding change: c.4006-18T>G on transcript NM_201253.3 (MANE Select); 18 bases into the intron before coding-DNA position 4006, T replaced by G.
Molecular consequence: intron variant.
Genome position (GRCh38, 1-based): chr1:197,477,646, T>G. VCF-style: chr1-197477646-T-G. GRCh37 (hg19) VCF-style: chr1-197446776-T-G.
Other names: c.3934-18T>G (NM_001257965.2); c.2398-18T>G (NM_001257966.2); c.3670-18T>G (NM_001193640.2).
Identifiers: ClinVar variation 1348159 (VCV001348159.8), dbSNP rs2125573687, ClinGen allele CA2573131435.
Genomic context (GRCh38, chr1:197,477,646, plus strand): 5'-CCTGAGTAGTTCCATTGTCCTGAATATTTATTTGCCTTTGCTATAGAATTCGCATCCCAA[T>G]GATTTCAATCTTTCCAGTTGGCAGATGACTTGATCTCCGACATTTTCACCACTATTGGCT-3'